The following is an entry in ClinVar:

ClinVar aggregate classification (germline): Uncertain significance (1 of 4 stars; one submission).

gnomAD v4.1: 1 of 1,613,478 alleles (0.000062%); highest among the groups gnomAD compares: African/African-American, 0.0013%; no homozygotes.

Submission:

GeneDx
Classification: Uncertain significance. Last evaluated: 2025-06-11. Review status: criteria provided, single submitter. Criteria: GeneDx Variant Classification Process June 2021. Collection method: clinical testing. Allele origin: germline. Affected: yes.
Comment: Not observed at significant frequency in large population cohorts (gnomAD); Has not been previously published as pathogenic or benign to our knowledge; Canonical splice site variant in a gene for which loss-of-function is not an established mechanism of disease

NM_198578.4(LRRK2):c.958+2T>C

Gene: LRRK2 (leucine rich repeat kinase 2; plus strand). Cytogenetic location: 12q12.
Variant type: single nucleotide variant.
Coding change: c.958+2T>C on transcript NM_198578.4 (MANE Select); the canonical splice donor site of the intron after coding-DNA position 958, T replaced by C.
Molecular consequence: splice donor variant.
Genome position (GRCh38, 1-based): chr12:40,249,947, T>C. VCF-style: chr12-40249947-T-C. GRCh37 (hg19) VCF-style: chr12-40643749-T-C.
Identifiers: ClinVar variation 4537625 (VCV004537625.1).